The following is an entry in ClinVar:

ClinVar aggregate classification (germline): Conflicting classifications of pathogenicity. Review status: criteria provided, conflicting classifications (1 of 4 stars). 5 submissions from 5 submitters: Uncertain significance (3); Likely benign (1). 1 of the submissions does not count toward it. Last evaluated 2023-05-04.

Conditions:
Hereditary breast ovarian cancer syndrome. Also called: Breast and ovarian cancer; Hereditary breast and ovarian cancer; Hereditary breast and ovarian cancer syndrome; BRCA1- and BRCA2-Associated Hereditary Breast and Ovarian Cancer; Hereditary breast and ovarian cancer syndrome (HBOC); Hereditary breast and/or ovarian cancer syndrome. Identifiers: Orphanet 145, MedGen C0677776, MeSH D061325, MONDO:0003582. Disease mechanism: loss of function.
Hereditary cancer-predisposing syndrome. Also called: Tumor predisposition; Hereditary Cancer Syndrome; Neoplastic Syndromes, Hereditary; Hereditary neoplastic syndrome. Identifiers: Orphanet 140162, MedGen C0027672, MeSH D009386, MONDO:0015356.
Breast-ovarian cancer, familial, susceptibility to, 2 (BROVCA2). Also called: BRCA2 Hereditary Breast and Ovarian Cancer. Identifiers: Orphanet 145, MedGen C2675520, MONDO:0012933, OMIM 612555. Disease mechanism: loss of function.

Allele frequency attached by ClinVar (database versions not stated): gnomAD exomes below 0.00001; TOPMed below 0.00001; ExAC 0.00001.
gnomAD v4.1: 5 of 1,613,718 alleles (0.00031%); highest among the groups gnomAD compares: Non-Finnish European, 0.00042%; no homozygotes.

Submissions (5):

Color Diagnostics, LLC DBA Color Health
Classification: Uncertain significance for Hereditary cancer-predisposing syndrome. Last evaluated: 2023-05-04. Review status: criteria provided, single submitter. Criteria: ACMG Guidelines, 2015. Collection method: clinical testing. Allele origin: germline.
Comment: This missense variant replaces isoleucine with valine at codon 2550 of the BRCA2 protein. Computational prediction suggests that this variant may not impact protein structure and function (internally defined REVEL score threshold <= 0.5, PMID: 27666373). To our knowledge, functional studies have not been reported for this variant. This variant has been reported in an individual affected with breast cancer (PMID: 35864222) and an unaffected individual (PMID: 33471991; Leiden Open Variation Database DB-ID BRCA2_003369). This variant has been identified in 1/251108 chromosomes in the general population by the Genome Aggregation Database (gnomAD). The available evidence is insufficient to determine the role of this variant in disease conclusively. Therefore, this variant is classified as a Variant of Uncertain Significance.

GeneDx
Classification: Uncertain significance. Last evaluated: 2022-08-25. Review status: criteria provided, single submitter. Criteria: GeneDx Variant Classification Process June 2021. Collection method: clinical testing. Allele origin: germline. Affected: yes.
Comment: Not observed at significant frequency in large population cohorts (gnomAD); In silico analysis supports that this missense variant does not alter protein structure/function; Has not been previously published as pathogenic or benign to our knowledge; Also known as 7876A>G; This variant is associated with the following publications: (PMID: 12228710, 31131967)

Labcorp Genetics (formerly Invitae), Labcorp
Classification: Uncertain significance for Hereditary breast ovarian cancer syndrome. Last evaluated: 2022-04-27. Review status: criteria provided, single submitter. Criteria: Invitae Variant Classification Sherloc (09022015). Collection method: clinical testing. Allele origin: germline.
Comment: Advanced modeling of protein sequence and biophysical properties (such as structural, functional, and spatial information, amino acid conservation, physicochemical variation, residue mobility, and thermodynamic stability) performed at Invitae indicates that this missense variant is not expected to disrupt BRCA2 protein function. This sequence change replaces isoleucine, which is neutral and non-polar, with valine, which is neutral and non-polar, at codon 2550 of the BRCA2 protein (p.Ile2550Val). This variant is present in population databases (rs41293507, gnomAD 0.0009%). This variant has not been reported in the literature in individuals affected with BRCA2-related conditions. ClinVar contains an entry for this variant (Variation ID: 91487). In summary, the available evidence is currently insufficient to determine the role of this variant in disease. Therefore, it has been classified as a Variant of Uncertain Significance.

Ambry Genetics
Classification: Likely benign for Hereditary cancer-predisposing syndrome. Last evaluated: 2021-01-21. Review status: criteria provided, single submitter. Criteria: Ambry Variant Classification Scheme 2023. Collection method: clinical testing. Allele origin: germline.

Sharing Clinical Reports Project (SCRP)
Classification: Uncertain significance for Breast-ovarian cancer, familial 2. Last evaluated: 2012-02-15. Review status: no assertion criteria provided. Collection method: clinical testing. Allele origin: germline. Not counted in ClinVar's aggregate classification.

Literature cited by the submitters: PubMed 33471991 (cited by Color Diagnostics, LLC DBA Color Health); PubMed 35864222 (cited by Color Diagnostics, LLC DBA Color Health).

NM_000059.4(BRCA2):c.7648A>G (p.Ile2550Val)

Gene: BRCA2 (BRCA2 DNA repair associated; plus strand). Cytogenetic location: 13q13.1.
Variant type: single nucleotide variant.
Coding change: c.7648A>G on transcript NM_000059.4 (MANE Select); coding-DNA position 7648, A replaced by G.
Protein change: p.Ile2550Val; replaces isoleucine 2550 with valine.
Molecular consequence: missense variant.
Genome position (GRCh38, 1-based): chr13:32,357,772, A>G. VCF-style: chr13-32357772-A-G. GRCh37 (hg19) VCF-style: chr13-32931909-A-G.
Other names: short protein forms I2550V.
Identifiers: ClinVar variation 91487 (VCV000091487.19), dbSNP rs41293507, ClinGen allele CA025211.